The following is an entry in ClinVar:

NM_001001548.3(CD36):c.1047_1051dup (p.Pro351fs)

Gene: CD36 (CD36 molecule (CD36 blood group); plus strand). Cytogenetic location: 7q21.11.
Variant type: Duplication.
Coding change: c.1047_1051dup on transcript NM_001001548.3 (MANE Select); coding-DNA positions 1047 to 1051, 5 bases duplicated (AAGTC; older notation c.1047_1051dupAAGTC).
Protein change: p.Pro351fs; shifts the reading frame from proline 351.
Molecular consequence: frameshift variant. On other transcripts: non-coding transcript variant (1).
Genome position (GRCh38, 1-based): chr7:80,671,962-80,671,966, AAGTC duplicated; duplicating any 5 consecutive bases within chr7:80,671,961-80,671,966 gives the same sequence; the c. name uses the placement nearest the transcript's 3' end. VCF-style (leftmost placement, unchanged base first): chr7-80671960-G-GCAAGT. GRCh37 (hg19) VCF-style: chr7-80301276-G-GCAAGT.
Other names: c.1047_1051dup, p.Pro351fs (NM_000072.3, NM_001001547.3, NM_001127443.2 and 5 more transcripts); c.930_934dup, p.Pro312fs (NM_001289908.1); c.867_871dup, p.Pro291fs (NM_001289909.1); c.819_823dup, p.Pro275fs (NM_001289911.2); c.945_949dup, p.Pro317fs (NM_001371079.1); c.582_586dup, p.Pro196fs (NM_001371080.1, NM_001371081.1); short protein forms P196fs, P275fs, P291fs, P312fs, P317fs, P351fs.
Identifiers: ClinVar variation 3036442 (VCV003036442.18), dbSNP rs772709798, ClinGen allele CA4315559.

ClinVar aggregate classification (germline): Pathogenic/Likely pathogenic. Review status: criteria provided, multiple submitters, no conflicts (2 of 4 stars). 2 submissions from 2 submitters: Pathogenic (1); Likely pathogenic (1). Last evaluated 2025-05-22.

Conditions:
CD36-related disorder. Also called: CD36-related condition; CD36-related disorders.

Submissions (2):

PreventionGenetics, part of Exact Sciences
Classification: Likely pathogenic for CD36-related condition. Last evaluated: 2025-05-22. Review status: criteria provided, single submitter. Criteria: ACMG Guidelines, 2015. Collection method: clinical testing. Allele origin: germline.
Comment: The CD36 c.1047_1051dup5 variant is predicted to result in a frameshift and premature protein termination (p.Pro351Glnfs*12). This variant has been reported along with another frameshift variant in the CD36 gene in an individual with CD36 deficiency (Flesch et al. 2021. PubMed ID: 33822386). This variant is reported in 0.0079% of alleles in individuals of European (Non-Finnish) descent in gnomAD. Frameshift variants in CD36 are expected to be pathogenic. This variant is interpreted as likely pathogenic.

CeGaT Center for Human Genetics Tuebingen
Classification: Pathogenic. Last evaluated: 2024-08-01. Review status: criteria provided, single submitter. Criteria: CeGaT Center For Human Genetics Tuebingen Variant Classification Criteria Version 2. Collection method: clinical testing. Allele origin: germline. Affected: yes. Observed: 1 variant allele.
Comment: CD36: PVS1, PM2, PM3, PP4:Moderate